The following is an entry in ClinVar:

Conditions:
Breast-ovarian cancer, familial, susceptibility to, 1 (BROVCA1). Also called: BRCA1 Hereditary Breast and Ovarian Cancer; OVARIAN CANCER, SUSCEPTIBILITY TO. Identifiers: Orphanet 145, MedGen C2676676, MONDO:0011450, OMIM 604370. Disease mechanism: loss of function.

gnomAD v4.1: 1 of 1,612,916 alleles (0.000062%); highest among the groups gnomAD compares: Non-Finnish European, 0.000085%; no homozygotes.

Submission:

Brotman Baty Institute, University of Washington
No classification provided (evidence only). Condition: Breast-ovarian cancer, familial 1. Review status: no classification provided. Collection method: in vitro. Allele origin: not applicable. Functional consequence: functionally_normal.
ClinVar note: "not provided" was previously submitted as the classification for the variant. However, the classification appeared to be based only on an observation of functional data so it was converted to no classification on 2025-07-30.

NM_007294.4(BRCA1):c.301T>G (p.Tyr101Asp)

Gene: BRCA1 (BRCA1 DNA repair associated; minus strand). Cytogenetic location: 17q21.31.
Variant type: single nucleotide variant.
Coding change: c.301T>G on transcript NM_007294.4 (MANE Select); coding-DNA position 301, T replaced by G.
Protein change: p.Tyr101Asp; replaces tyrosine 101 with aspartic acid.
Molecular consequence: missense variant. On other transcripts: non-coding transcript variant (1).
Genome position (GRCh38, 1-based): chr17:43,104,868, A>C on the plus strand (T>G on the coding strand, the complement: BRCA1 is on the minus strand). VCF-style: chr17-43104868-A-C. GRCh37 (hg19) VCF-style: chr17-41256885-A-C.
Other names: c.160T>G, p.Tyr54Asp (NM_001407750.1, NM_001407751.1, NM_001407752.1 and 99 more transcripts); c.91T>G, p.Tyr31Asp (NM_001407853.1, NM_001407879.1, NM_001407881.1 and 58 more transcripts); c.301T>G, p.Tyr101Asp (NM_001407854.1, NM_001407858.1, NM_001407859.1 and 165 more transcripts); c.223T>G, p.Tyr75Asp (NM_001407862.1, NM_001407874.1, NM_001407875.1 and 21 more transcripts); c.-81T>G (NM_001407962.1, NM_001407963.1, NM_001407965.1 and 4 more transcripts); c.169T>G, p.Tyr57Asp (NM_001408451.1); short protein forms Y101D, Y54D, Y31D, Y75D, Y57D.
Identifiers: ClinVar variation 868832 (VCV000868832.3), dbSNP rs1555596637, ClinGen allele CA10601550.
Genomic context (GRCh38, chr17:43,104,868, plus strand): 5'-AACTTCCTGAGTTTTCATGGACAGCACTTGAGTGTCATTCTTGGGATATTCAACACTTAC[A>C]CTCCAAACCTGTGTCAAGCTGAAAAGCACAAATGATTTTCAATAGCTCTTCAACAAGTTG-3'
Protein context (NP_009225.1, residues 91-111): CAFQLDTGLE[Tyr101Asp]ANSYNFAKKE